The following is an entry in ClinVar:

NM_005787.6(ALG3):c.116C>T (p.Pro39Leu)

Gene: ALG3 (ALG3 alpha-1,3- mannosyltransferase; minus strand). Cytogenetic location: 3q27.1.
Variant type: single nucleotide variant.
Coding change: c.116C>T on transcript NM_005787.6 (MANE Select); coding-DNA position 116, C replaced by T.
Protein change: p.Pro39Leu; replaces proline 39 with leucine.
Molecular consequence: missense variant. On other transcripts: non-coding transcript variant (2), intron variant (1).
Genome position (GRCh38, 1-based): chr3:184,248,825, G>A on the plus strand (C>T on the coding strand, the complement: ALG3 is on the minus strand). VCF-style: chr3-184248825-G-A. GRCh37 (hg19) VCF-style: chr3-183966613-G-A.
Other names: c.52+401C>T (NM_001006941.2); short protein forms P39L.
Identifiers: ClinVar variation 3251910 (VCV003251910.1), dbSNP rs1348594417.
Genomic context (GRCh38, chr3:184,248,825, plus strand): 5'-CAGAAGGTGATGCCCACCTCCGCCAGGCAGAGGCAGGCGGCCACCAGCAGCGTGTAGCGC[G>A]GCTCCCGCAGCAGCAGGCGCCGCTCTTGCCAGGCGCGCTGCAGCCATTGCTTGCAGAGTC-3'
Protein context (NP_005778.1, residues 29-49): WQERRLLLRE[Pro39Leu]RYTLLVAACL

ClinVar aggregate classification (germline): Uncertain significance (1 of 4 stars; one submission).

Submission:

Women's Health and Genetics/Laboratory Corporation of America, LabCorp
Classification: Uncertain significance. Last evaluated: 2024-04-17. Review status: criteria provided, single submitter. Criteria: LabCorp Variant Classification Summary - May 2015. Collection method: clinical testing. Allele origin: germline.
Comment: Variant summary: ALG3 c.116C>T (p.Pro39Leu) results in a non-conservative amino acid change in the encoded protein sequence. Three of five in-silico tools predict a damaging effect of the variant on protein function. The variant was absent in 236072 control chromosomes. The available data on variant occurrences in the general population are insufficient to allow any conclusion about variant significance. c.116C>T has been reported in the literature in at least one compound heterozygous individual affected with ALG3-congenital disorder of glycosylation (e.g. Rimella-Le-Hu_2008). These data do not provide sufficient evidence to allow any conclusion about variant significance. To our knowledge, no experimental evidence demonstrating an impact on protein function has been reported. The following publication has been ascertained in the context of this evaluation (PMID: 18679822). No submitters have cited clinical-significance assessments for this variant to ClinVar. Based on the evidence outlined above, the variant was classified as uncertain significance.

Literature cited by the submitters: PubMed 18679822.